The following is an entry in ClinVar:

ClinVar aggregate classification (germline): Uncertain significance (0 of 4 stars; one submission).

Conditions:
OPTN-related disorder. Also called: OPTN-related disorders; OPTN-related condition.

Allele frequency attached by ClinVar (database versions not stated): gnomAD exomes 0.00001; TOPMed 0.00002; ExAC 0.00003.
gnomAD v4.1: 12 of 1,614,156 alleles (0.00074%); highest among the groups gnomAD compares: Admixed American, 0.017%; no homozygotes.

Submission:

PreventionGenetics, part of Exact Sciences
Classification: Uncertain significance for OPTN-related condition. Last evaluated: 2023-12-15. Review status: no assertion criteria provided. Collection method: clinical testing. Allele origin: germline.
Comment: The OPTN c.536T>C variant is predicted to result in the amino acid substitution p.Val179Ala. To our knowledge, this variant has not been reported in the literature. This variant is reported in 0.026% of alleles in individuals of Latino descent in gnomAD. At this time, the clinical significance of this variant is uncertain due to the absence of conclusive functional and genetic evidence.

NM_001008212.2(OPTN):c.536T>C (p.Val179Ala)

Gene: OPTN (optineurin; plus strand). Cytogenetic location: 10p13.
Variant type: single nucleotide variant.
Coding change: c.536T>C on transcript NM_001008212.2 (MANE Select); coding-DNA position 536, T replaced by C.
Protein change: p.Val179Ala; replaces valine 179 with alanine.
Molecular consequence: missense variant.
Genome position (GRCh38, 1-based): chr10:13,112,619, T>C. VCF-style: chr10-13112619-T-C. GRCh37 (hg19) VCF-style: chr10-13154619-T-C.
Other names: c.536T>C, p.Val179Ala (NM_001008211.1, NM_001008213.1, NM_021980.4); short protein forms V179A.
Identifiers: ClinVar variation 3054183 (VCV003054183.2), dbSNP rs778593114, ClinGen allele CA5410647.
Genomic context (GRCh38, chr10:13,112,619, plus strand): 5'-GCATCGTGTCTGAACTGCAGCTCAAGCTGAACTCCAGCGGCTCCTCAGAAGATTCCTTTG[T>C]TGAAATTAGGATGGCTGTGAGTTTTTGGTTTTATTTTTGTTTTGAGCAAACTATAAAGCC-3'
Protein context (NP_001008213.1, residues 169-189): NSSGSSEDSF[Val179Ala]EIRMAEGEAE